The following is an entry in ClinVar:

ClinVar aggregate classification (germline): Uncertain significance. Review status: criteria provided, multiple submitters, no conflicts (2 of 4 stars). 2 submissions from 2 submitters: Uncertain significance (2). Last evaluated 2024-12-08.

Conditions:
Inborn genetic diseases. Identifiers: MedGen C0950123, MeSH D030342.

Allele frequency attached by ClinVar (database versions not stated): gnomAD exomes below 0.00001; TOPMed 0.00001.
gnomAD v4.1: 4 of 1,613,734 alleles (0.00025%); highest among the groups gnomAD compares: African/African-American, 0.0027%; no homozygotes.

Submissions (2):

Ambry Genetics
Classification: Uncertain significance for Inborn genetic diseases. Last evaluated: 2024-12-08. Review status: criteria provided, single submitter. Criteria: Ambry Variant Classification Scheme 2023. Collection method: clinical testing. Allele origin: germline.
Comment: The p.E520G variant (also known as c.1559A>G), located in coding exon 1 of the SAMD9L gene, results from an A to G substitution at nucleotide position 1559. The glutamic acid at codon 520 is replaced by glycine, an amino acid with similar properties. This amino acid position is conserved. In addition, this alteration is predicted to be tolerated by in silico analysis. Based on the available evidence, the clinical significance of this variant remains unclear.

Labcorp Genetics (formerly Invitae), Labcorp
Classification: Uncertain significance. Last evaluated: 2024-10-26. Review status: criteria provided, single submitter. Criteria: Invitae Variant Classification Sherloc (09022015). Collection method: clinical testing. Allele origin: germline.
Comment: This sequence change replaces glutamic acid, which is acidic and polar, with glycine, which is neutral and non-polar, at codon 520 of the SAMD9L protein (p.Glu520Gly). This variant is not present in population databases (gnomAD no frequency). This variant has not been reported in the literature in individuals affected with SAMD9L-related conditions. ClinVar contains an entry for this variant (Variation ID: 1467843). Invitae Evidence Modeling of protein sequence and biophysical properties (such as structural, functional, and spatial information, amino acid conservation, physicochemical variation, residue mobility, and thermodynamic stability) indicates that this missense variant is not expected to disrupt SAMD9L protein function with a negative predictive value of 80%. In summary, the available evidence is currently insufficient to determine the role of this variant in disease. Therefore, it has been classified as a Variant of Uncertain Significance.

NM_152703.5(SAMD9L):c.1559A>G (p.Glu520Gly)

Gene: SAMD9L (sterile alpha motif domain containing 9 like; minus strand). Cytogenetic location: 7q21.2.
Variant type: single nucleotide variant.
Coding change: c.1559A>G on transcript NM_152703.5 (MANE Select); coding-DNA position 1559, A replaced by G.
Protein change: p.Glu520Gly; replaces glutamic acid 520 with glycine.
Molecular consequence: missense variant.
Genome position (GRCh38, 1-based): chr7:93,134,413, T>C on the plus strand (A>G on the coding strand, the complement: SAMD9L is on the minus strand). VCF-style: chr7-93134413-T-C. GRCh37 (hg19) VCF-style: chr7-92763726-T-C.
Other names: c.1559A>G (NM_152703.2); c.1559A>G, p.Glu520Gly (NM_001303496.3, NM_001303497.3, NM_001303498.3 and 5 more transcripts); short protein forms E520G.
Identifiers: ClinVar variation 1467843 (VCV001467843.7), dbSNP rs1792314444, ClinGen allele CA368195814.